The following is an entry in ClinVar:

NM_017802.4(DNAAF5):c.28G>C (p.Val10Leu)

Genes: DNAAF5 (dynein axonemal assembly factor 5; plus strand), PRKAR1B (protein kinase cAMP-dependent type I regulatory subunit beta; minus strand). Cytogenetic location: 7p22.3.
Variant type: single nucleotide variant.
Coding change: c.28G>C on transcript NM_017802.4 (MANE Select); coding-DNA position 28, G replaced by C.
Protein change: p.Val10Leu; replaces valine 10 with leucine.
Molecular consequence: missense variant. On other transcripts: non-coding transcript variant (1), intron variant (3).
Genome position (GRCh38, 1-based): chr7:726,748, G>C. VCF-style: chr7-726748-G-C. GRCh37 (hg19) VCF-style: chr7-766385-G-C.
Other names: c.-23+907C>G (NM_001164759.1); c.-23+842C>G (NM_001164758.2); c.-23+462C>G (NM_001164760.2); short protein forms V10L.
Identifiers: ClinVar variation 964688 (VCV000964688.15), dbSNP rs577934097, ClinGen allele CA152333333.

ClinVar aggregate classification (germline): Uncertain significance (1 of 4 stars; one submission).

Conditions:
Primary ciliary dyskinesia. Also called: Ciliary dyskinesia. Identifiers: Orphanet 244, MedGen C0008780, MONDO:0016575, HP:0012265.

Allele frequency attached by ClinVar (database versions not stated): TOPMed 0.00003.
gnomAD v4.1: 86 of 1,245,878 alleles (0.0069%); highest among the groups gnomAD compares: Non-Finnish European, 0.0078%; no homozygotes.

Submission:

Labcorp Genetics (formerly Invitae), Labcorp
Classification: Uncertain significance for Primary ciliary dyskinesia. Last evaluated: 2021-08-26. Review status: criteria provided, single submitter. Criteria: Invitae Variant Classification Sherloc (09022015). Collection method: clinical testing. Allele origin: germline.
Comment: This sequence change replaces valine with leucine at codon 10 of the DNAAF5 protein (p.Val10Leu). The valine residue is weakly conserved and there is a small physicochemical difference between valine and leucine. The frequency data for this variant in the population databases is considered unreliable, as metrics indicate insufficient coverage at this position in the ExAC database. This variant has not been reported in the literature in individuals affected with DNAAF5-related conditions. In summary, the available evidence is currently insufficient to determine the role of this variant in disease. Therefore, it has been classified as a Variant of Uncertain Significance.